The following is an entry in ClinVar:

NM_000090.4(COL3A1):c.4064C>T (p.Ala1355Val)

Gene: COL3A1 (collagen type III alpha 1 chain; plus strand). Cytogenetic location: 2q32.2.
Variant type: single nucleotide variant.
Coding change: c.4064C>T on transcript NM_000090.4 (MANE Select); coding-DNA position 4064, C replaced by T.
Protein change: p.Ala1355Val; replaces alanine 1355 with valine.
Molecular consequence: missense variant.
Genome position (GRCh38, 1-based): chr2:189,010,700, C>T. VCF-style: chr2-189010700-C-T. GRCh37 (hg19) VCF-style: chr2-189875426-C-T.
Other names: short protein forms A1355V.
Identifiers: ClinVar variation 4756982 (VCV004756982.1).
Genomic context (GRCh38, chr2:189,010,700, plus strand): 5'-TATTACAGTTTAGCTACGGCAATCCTGAACTTCCTGAAGATGTCCTTGATGTGCATCTGG[C>T]ATTCCTTCGACTTCTCTCCAGCCGAGCTTCCCAGAACATCACATATCACTGCAAAAATAG-3'
Protein context (NP_000081.2, residues 1345-1365): LPEDVLDVHL[Ala1355Val]FLRLLSSRAS

ClinVar aggregate classification (germline): Uncertain significance (1 of 4 stars; one submission).

Conditions:
Familial thoracic aortic aneurysm and aortic dissection (TAAD). Also called: Thoracic aortic aneurysms and dissections. Identifiers: Orphanet 91387, MedGen C4707243, MONDO:0019625.

Submission:

Color Diagnostics, LLC DBA Color Health
Classification: Uncertain significance for Familial thoracic aortic aneurysm and aortic dissection. Last evaluated: 2025-06-23. Review status: criteria provided, single submitter. Criteria: ACMG Guidelines, 2015. Collection method: clinical testing. Allele origin: germline.
Comment: This missense variant replaces alanine with valine at codon 1355 of the COL3A1 protein. Computational prediction suggests that this variant may not impact protein structure and function. To our knowledge, functional studies have not been reported for this variant. This variant has not been reported in individuals affected with COL3A1-related disorders in the literature. This variant has not been identified in the general population by the Genome Aggregation Database (gnomAD). The available evidence is insufficient to determine the role of this variant in disease conclusively. Therefore, this variant is classified as a Variant of Uncertain Significance.